The following is an entry in ClinVar:

NM_015910.7(WDPCP):c.451A>C (p.Ile151Leu)

Gene: WDPCP (WD repeat containing planar cell polarity effector; minus strand). Cytogenetic location: 2p15.
Variant type: single nucleotide variant.
Coding change: c.451A>C on transcript NM_015910.7 (MANE Select); coding-DNA position 451, A replaced by C.
Protein change: p.Ile151Leu; replaces isoleucine 151 with leucine.
Molecular consequence: missense variant. On other transcripts: non-coding transcript variant (2).
Genome position (GRCh38, 1-based): chr2:63,439,805, T>G on the plus strand (A>C on the coding strand, the complement: WDPCP is on the minus strand). VCF-style: chr2-63439805-T-G. GRCh37 (hg19) VCF-style: chr2-63666939-T-G.
Other names: c.451A>C (NM_015910.5); c.379A>C, p.Ile127Leu (NM_001354044.2); c.451A>C, p.Ile151Leu (NM_001354045.2); short protein forms I151L, I127L.
Identifiers: ClinVar variation 1518502 (VCV001518502.8), dbSNP rs776529473, ClinGen allele CA1682466.

ClinVar aggregate classification (germline): Uncertain significance. Review status: criteria provided, multiple submitters, no conflicts (2 of 4 stars). 2 submissions from 2 submitters: Uncertain significance (2). Last evaluated 2024-02-26.

Conditions:
Inborn genetic diseases. Identifiers: MedGen C0950123, MeSH D030342.
Bardet-Biedl syndrome (BBS). Identifiers: Orphanet 110, MedGen C0752166, MONDO:0015229.

Allele frequency attached by ClinVar (database versions not stated): gnomAD exomes 0.00001; ExAC 0.00002.
gnomAD v4.1: 3 of 1,613,260 alleles (0.00019%); highest among the groups gnomAD compares: Non-Finnish European, 0.00025%; no homozygotes.

Submissions (2):

Ambry Genetics
Classification: Uncertain significance for Inborn genetic diseases. Last evaluated: 2024-02-26. Review status: criteria provided, single submitter. Criteria: Ambry Variant Classification Scheme 2023. Collection method: clinical testing. Allele origin: germline.

Labcorp Genetics (formerly Invitae), Labcorp
Classification: Uncertain significance for Bardet-Biedl syndrome. Last evaluated: 2022-03-10. Review status: criteria provided, single submitter. Criteria: Invitae Variant Classification Sherloc (09022015). Collection method: clinical testing. Allele origin: germline.
Comment: In summary, the available evidence is currently insufficient to determine the role of this variant in disease. Therefore, it has been classified as a Variant of Uncertain Significance. Algorithms developed to predict the effect of missense changes on protein structure and function are either unavailable or do not agree on the potential impact of this missense change (SIFT: "Tolerated"; PolyPhen-2: "Possibly Damaging"; Align-GVGD: "Class C0"). This variant has not been reported in the literature in individuals affected with WDPCP-related conditions. This variant is present in population databases (rs776529473, gnomAD 0.002%). This sequence change replaces isoleucine, which is neutral and non-polar, with leucine, which is neutral and non-polar, at codon 151 of the WDPCP protein (p.Ile151Leu).